The following is an entry in ClinVar:

NM_006755.2(TALDO1):c.706G>A (p.Ala236Thr)

Gene: TALDO1 (transaldolase 1; plus strand). Cytogenetic location: 11p15.5.
Variant type: single nucleotide variant.
Coding change: c.706G>A on transcript NM_006755.2 (MANE Select); coding-DNA position 706, G replaced by A.
Protein change: p.Ala236Thr; replaces alanine 236 with threonine.
Molecular consequence: missense variant.
Genome position (GRCh38, 1-based): chr11:763,815, G>A. VCF-style: chr11-763815-G-A. GRCh37 (hg19) VCF-style: chr11-763815-G-A.
Other names: short protein forms A236T.
Identifiers: ClinVar variation 880685 (VCV000880685.6), dbSNP rs375231328, ClinGen allele CA5788270.
Genomic context (GRCh38, chr11:763,815, plus strand): 5'-AGTGTCACTAAAATCTACAACTACTACAAGAAGTTTAGCTACAAAACCATTGTCATGGGC[G>A]CCTCCTTCCGCAACACGGGCGAGATCAAAGCACTGGCCGGCTGTGACTTCCTCACCATCT-3'
Protein context (NP_006746.1, residues 226-246): KFSYKTIVMG[Ala236Thr]SFRNTGEIKA

ClinVar aggregate classification (germline): Uncertain significance. Review status: criteria provided, multiple submitters, no conflicts (2 of 4 stars). 2 submissions from 2 submitters: Uncertain significance (2). Last evaluated 2022-08-09.

Conditions:
Deficiency of transaldolase. Also called: EYAID SYNDROME. Identifiers: Orphanet 101028, MedGen C1291329, MONDO:0011624, OMIM 606003.

Allele frequency attached by ClinVar (database versions not stated): TOPMed 0.00002; ExAC 0.00003; gnomAD 0.00003; gnomAD exomes 0.00003 and 0.00004; ESP Exome Variant Server 0.00008.
gnomAD v4.1: 60 of 1,613,912 alleles (0.0037%); highest among the groups gnomAD compares: Non-Finnish European, 0.0046%; no homozygotes.

Submissions (2):

Labcorp Genetics (formerly Invitae), Labcorp
Classification: Uncertain significance. Last evaluated: 2022-08-09. Review status: criteria provided, single submitter. Criteria: Invitae Variant Classification Sherloc (09022015). Collection method: clinical testing. Allele origin: germline.
Comment: This sequence change replaces alanine, which is neutral and non-polar, with threonine, which is neutral and polar, at codon 236 of the TALDO1 protein (p.Ala236Thr). This variant is present in population databases (rs375231328, gnomAD 0.01%). This variant has not been reported in the literature in individuals affected with TALDO1-related conditions. ClinVar contains an entry for this variant (Variation ID: 880685). Algorithms developed to predict the effect of missense changes on protein structure and function (SIFT, PolyPhen-2, Align-GVGD) all suggest that this variant is likely to be disruptive. In summary, the available evidence is currently insufficient to determine the role of this variant in disease. Therefore, it has been classified as a Variant of Uncertain Significance.

Illumina Laboratory Services, Illumina
Classification: Uncertain significance for Deficiency of transaldolase. Last evaluated: 2018-01-13. Review status: criteria provided, single submitter. Criteria: ICSL Variant Classification Criteria 13 December 2019. Collection method: clinical testing. Allele origin: germline.